The following is an entry in ClinVar:

NM_182914.3(SYNE2):c.18277G>A (p.Asp6093Asn)

Gene: SYNE2 (spectrin repeat containing nuclear envelope protein 2; plus strand). Cytogenetic location: 14q23.2.
Variant type: single nucleotide variant.
Coding change: c.18277G>A on transcript NM_182914.3 (MANE Select); coding-DNA position 18277, G replaced by A.
Protein change: p.Asp6093Asn; replaces aspartic acid 6093 with asparagine.
Molecular consequence: missense variant.
Genome position (GRCh38, 1-based): chr14:64,208,833, G>A. VCF-style: chr14-64208833-G-A. GRCh37 (hg19) VCF-style: chr14-64675551-G-A.
Other names: c.18277G>A, p.Asp6093Asn (NM_015180.6); short protein forms D6093N.
Identifiers: ClinVar variation 4806326 (VCV004806326.1).

ClinVar aggregate classification (germline): Uncertain significance (1 of 4 stars; one submission).

Conditions:
Emery-Dreifuss muscular dystrophy 5, autosomal dominant (EDMD5). Also called: EMERY-DREIFUSS MUSCULAR DYSTROPHY 5. Identifiers: Orphanet 261, MedGen C2751805, MONDO:0013072, OMIM 612999.

gnomAD v4.1: 5 of 1,614,182 alleles (0.00031%); highest among the groups gnomAD compares: Non-Finnish European, 0.00025%; no homozygotes.

Submission:

Labcorp Genetics (formerly Invitae), Labcorp
Classification: Uncertain significance for Emery-Dreifuss muscular dystrophy 5, autosomal dominant. Last evaluated: 2025-03-04. Review status: criteria provided, single submitter. Criteria: Invitae Variant Classification Sherloc (09022015). Collection method: clinical testing. Allele origin: germline.
Comment: This sequence change replaces aspartic acid, which is acidic and polar, with asparagine, which is neutral and polar, at codon 6093 of the SYNE2 protein (p.Asp6093Asn). This variant is present in population databases (rs752253332, gnomAD 0.006%). This variant has not been reported in the literature in individuals affected with SYNE2-related conditions. An algorithm developed to predict the effect of missense changes on protein structure and function (PolyPhen-2) suggests that this variant is likely to be disruptive. In summary, the available evidence is currently insufficient to determine the role of this variant in disease. Therefore, it has been classified as a Variant of Uncertain Significance.